The following is an entry in ClinVar:

ClinVar aggregate classification (germline): Uncertain significance (1 of 4 stars; one submission).

Conditions:
Leigh syndrome (NULS). Also called: Leigh's necrotizing encephalopathy; Leigh's disease; Leigh's syndrome; LEIGH SYNDROME, NUCLEAR; Leigh Syndrome (mtDNA deletion); Leigh Disease. Identifiers: Orphanet 506, MedGen C2931891, MONDO:0009723, OMIM 256000.

Submission:

Wong Mito Lab, Molecular and Human Genetics, Baylor College of Medicine
Classification: Uncertain significance for Leigh syndrome. Last evaluated: 2019-10-17. Review status: criteria provided, single submitter. Criteria: Modified ACMG Guidelines (Unpublished). Collection method: clinical testing. Allele origin: germline.
Comment: The NC_012920.1:m.15743C>T (YP_003024038.1:p.Leu333Phe) variant in MTCYB gene is interpretated to be a Uncertain Significance variant based on the modified ACMG guidelines (unpublished). This variant meets the following evidence codes: PP4

NC_012920.1(MT-CYB):m.15743C>T

Gene: MT-CYB (mitochondrially encoded cytochrome b; plus strand).
Variant type: single nucleotide variant.
Genome position: chrM-15743-C-T.
Identifiers: ClinVar variation 693944 (VCV000693944.1), dbSNP rs1603225455, ClinGen allele CA913174718.
Genomic context (GRCh38, chrMT:15,743, plus strand): 5'-CAAAGCATAATATTTCGCCCACTAAGCCAATCACTTTATTGACTCCTAGCCGCAGACCTC[C>T]TCATTCTAACCTGAATCGGAGGACAACCAGTAAGCTACCCTTTTACCATCATTGGACAAG-3'